The following is an entry in ClinVar:

NM_025114.4(CEP290):c.5261A>G (p.Glu1754Gly)

Gene: CEP290 (centrosomal protein 290; minus strand). Cytogenetic location: 12q21.32.
Variant type: single nucleotide variant.
Coding change: c.5261A>G on transcript NM_025114.4 (MANE Select); coding-DNA position 5261, A replaced by G.
Protein change: p.Glu1754Gly; replaces glutamic acid 1754 with glycine.
Molecular consequence: missense variant.
Genome position (GRCh38, 1-based): chr12:88,079,195, T>C on the plus strand (A>G on the coding strand, the complement: CEP290 is on the minus strand). VCF-style: chr12-88079195-T-C. GRCh37 (hg19) VCF-style: chr12-88472972-T-C.
Other names: short protein forms E1754G.
Identifiers: ClinVar variation 3346841 (VCV003346841.1).
Genomic context (GRCh38, chr12:88,079,195, plus strand): 5'-AGATGGGCCTCTTTTTGAGAAGTTGCAGAAATAATACGTTCTTCAGCAGCTGCTGTCATT[T>C]CTGCCCGGAGTTCTAAAAGTGCCCGACTAAGTGCCTAAAAATTAACCAAAAAAAAAATGT-3'
Protein context (NP_079390.3, residues 1744-1764): LSRALLELRA[Glu1754Gly]MTAAAEERII

ClinVar aggregate classification (germline): Uncertain significance (0 of 4 stars; one submission).

Conditions:
CEP290-related disorder. Also called: CEP290-related condition; CEP290-related disorders. Identifiers: MedGen CN239314.

Submission:

PreventionGenetics, part of Exact Sciences
Classification: Uncertain significance for CEP290-related condition. Last evaluated: 2024-08-06. Review status: no assertion criteria provided. Collection method: clinical testing. Allele origin: germline.
Comment: The CEP290 c.5261A>G variant is predicted to result in the amino acid substitution p.Glu1754Gly. To our knowledge, this variant has not been reported in the literature or in a large population database, indicating this variant is rare. At this time, the clinical significance of this variant is uncertain due to the absence of conclusive functional and genetic evidence.